The following is an entry in ClinVar:

NM_004974.4(KCNA2):c.511A>G (p.Met171Val)

Gene: KCNA2 (potassium voltage-gated channel subfamily A member 2; minus strand). Cytogenetic location: 1p13.3.
Variant type: single nucleotide variant.
Coding change: c.511A>G on transcript NM_004974.4 (MANE Select); coding-DNA position 511, A replaced by G.
Protein change: p.Met171Val; replaces methionine 171 with valine.
Molecular consequence: missense variant.
Genome position (GRCh38, 1-based): chr1:110,604,272, T>C on the plus strand (A>G on the coding strand, the complement: KCNA2 is on the minus strand). VCF-style: chr1-110604272-T-C. GRCh37 (hg19) VCF-style: chr1-111146894-T-C.
Other names: c.511A>G, p.Met171Val (NM_001204269.2); short protein forms M171V.
Identifiers: ClinVar variation 1507296 (VCV001507296.8), dbSNP rs773468235, ClinGen allele CA1000709.

ClinVar aggregate classification (germline): Uncertain significance. Review status: criteria provided, multiple submitters, no conflicts (2 of 4 stars). 2 submissions from 2 submitters: Uncertain significance (2). Last evaluated 2025-11-12.

Conditions:
Developmental and epileptic encephalopathy, 32 (DEE32). Also called: Epileptic encephalopathy, early infantile, 32. Identifiers: Orphanet 442835, MedGen C4225350, MONDO:0014607, OMIM 616366.

Allele frequency attached by ClinVar (database versions not stated): gnomAD 0.00001.

Submissions (2):

Labcorp Genetics (formerly Invitae), Labcorp
Classification: Uncertain significance for Developmental and epileptic encephalopathy, 32. Last evaluated: 2025-11-12. Review status: criteria provided, single submitter. Criteria: Invitae Variant Classification Sherloc (09022015). Collection method: clinical testing. Allele origin: germline.
Comment: This sequence change replaces methionine, which is neutral and non-polar, with valine, which is neutral and non-polar, at codon 171 of the KCNA2 protein (p.Met171Val). This variant is present in population databases (rs773468235, gnomAD 0.002%). This variant has not been reported in the literature in individuals affected with KCNA2-related conditions. ClinVar contains an entry for this variant (Variation ID: 1507296). Invitae Evidence Modeling of protein sequence and biophysical properties (such as structural, functional, and spatial information, amino acid conservation, physicochemical variation, residue mobility, and thermodynamic stability) indicates that this missense variant is not expected to disrupt KCNA2 protein function with a negative predictive value of 95%. In summary, the available evidence is currently insufficient to determine the role of this variant in disease. Therefore, it has been classified as a Variant of Uncertain Significance.

Revvity Omics, Revvity
Classification: Uncertain significance for Developmental and epileptic encephalopathy, 32. Last evaluated: 2020-11-20. Review status: criteria provided, single submitter. Criteria: ACMG Guidelines, 2015. Collection method: clinical testing. Allele origin: germline.